The following is an entry in ClinVar:

ClinVar aggregate classification (germline): Uncertain significance (1 of 4 stars; one submission).

Conditions:
Hereditary cancer-predisposing syndrome. Also called: Hereditary neoplastic syndrome; Neoplastic Syndromes, Hereditary; Tumor predisposition; Hereditary Cancer Syndrome. Identifiers: Orphanet 140162, MedGen C0027672, MeSH D009386, MONDO:0015356.

Submission:

Ambry Genetics
Classification: Uncertain significance for Hereditary cancer-predisposing syndrome. Last evaluated: 2021-05-25. Review status: criteria provided, single submitter. Criteria: Ambry Variant Classification Scheme 2023. Collection method: clinical testing. Allele origin: germline.
Comment: The p.E2950D variant (also known as c.8850G>C), located in coding exon 60 of the ATM gene, results from a G to C substitution at nucleotide position 8850. The amino acid change results in glutamic acid to aspartic acid at codon 2950, an amino acid with highly similar properties. However, this change occurs in the last base pair of coding exon 60, which makes it likely to have some effect on normal mRNA splicing. This amino acid position is highly conserved in available vertebrate species. In silico splice site analysis predicts that this alteration will weaken the native splice donor site. In addition, this alteration is predicted to be deleterious by in silico analysis. Since supporting evidence is limited at this time, the clinical significance of this alteration remains unclear.

NM_000051.4(ATM):c.8850G>C (p.Glu2950Asp)

Genes: ATM (ATM serine/threonine kinase; plus strand), C11orf65 (chromosome 11 open reading frame 65; minus strand). Cytogenetic location: 11q22.3.
Variant type: single nucleotide variant.
Coding change: c.8850G>C on transcript NM_000051.4 (MANE Select); coding-DNA position 8850, G replaced by C.
Protein change: p.Glu2950Asp; replaces glutamic acid 2950 with aspartic acid.
Molecular consequence: missense variant. On other transcripts: intron variant (2).
Genome position (GRCh38, 1-based): chr11:108,354,874, G>C. VCF-style: chr11-108354874-G-C. GRCh37 (hg19) VCF-style: chr11-108225601-G-C.
Other names: c.8850G>C, p.Glu2950Asp (NM_001351834.2); c.640+31046C>G (NM_001330368.2); c.695-19582C>G (NM_001351110.2); short protein forms E2950D.
Identifiers: ClinVar variation 1764883 (VCV001764883.2), dbSNP rs1025868726, ClinGen allele CA382526112.